The following is an entry in ClinVar:

ClinVar aggregate classification (germline): Conflicting classifications of pathogenicity. Review status: criteria provided, conflicting classifications (1 of 4 stars). 3 submissions from 3 submitters: Pathogenic (2); Uncertain significance (1). Last evaluated 2022-11-17.

Conditions:
Charcot-Marie-Tooth disease type 2. Also called: Charcot-Marie-Tooth type 2. Identifiers: Orphanet 64746, MedGen C0270914, MONDO:0018993.

Submissions (3):

Labcorp Genetics (formerly Invitae), Labcorp
Classification: Pathogenic for Charcot-Marie-Tooth disease type 2. Last evaluated: 2022-11-17. Review status: criteria provided, single submitter. Criteria: Invitae Variant Classification Sherloc (09022015). Collection method: clinical testing. Allele origin: germline.
Comment: Advanced modeling of protein sequence and biophysical properties (such as structural, functional, and spatial information, amino acid conservation, physicochemical variation, residue mobility, and thermodynamic stability) performed at Invitae indicates that this missense variant is expected to disrupt LMNA protein function. For these reasons, this variant has been classified as Pathogenic. This variant disrupts the p.Gly232 amino acid residue in LMNA. Other variant(s) that disrupt this residue have been determined to be pathogenic (PMID: 10939567, 16772334, 23077635, 25982065, 29676528, 29753763, 29893365). This suggests that this residue is clinically significant, and that variants that disrupt this residue are likely to be disease-causing. ClinVar contains an entry for this variant (Variation ID: 285122). This missense change has been observed in individuals with clinical features of autosomal dominant LMNA-related conditions (PMID: 18564364; Invitae). This variant is not present in population databases (gnomAD no frequency). This sequence change replaces glycine, which is neutral and non-polar, with arginine, which is basic and polar, at codon 232 of the LMNA protein (p.Gly232Arg).

GeneDx
Classification: Pathogenic. Last evaluated: 2017-01-20. Review status: criteria provided, single submitter. Criteria: GeneDx Variant Classification (06012015). Collection method: clinical testing. Allele origin: germline. Affected: yes.
Comment: The G232R variant in the LMNA gene has been reported previously in an individual with Emery-Dreifuss muscular dystrophy as a result of the c.694G>C nucleotide substitution (Rudenskaya et al.,2008). The Leiden Open Variant Database also includes one report of a de novo G232R (c.694G>A)substitution in an individual with atypical Emery-Dreifuss muscular dystrophy (Fokkema et al., 2011).Additionally, a different de novo missense substitution (G232E) has been reported at this position inan individual with Emery-Dreifuss muscular dystrophy (Boone et al. 2000). The G232R variant wasnot observed in approximately 6500 individuals of European and African American ancestry in theNHLBI Exome Sequencing Project, indicating it is not a common benign variant in these populations.The G232R variant is a non-conservative amino acid substitution, that occurs within the alpha-helicalrod domain at a position where amino acids with similar properties to Glycine are tolerated acrossspecies. In silico analysis predicts this variant is probably damaging to the protein structure/function.We interpret G232R as a pathogenic variant

Eurofins Ntd Llc (ga)
Classification: Uncertain significance. Last evaluated: 2016-02-05. Review status: criteria provided, single submitter. Criteria: EGL Classification Definitions 2015. Collection method: clinical testing. Allele origin: germline. Observed: 1 variant allele, 1 heterozygote.

Literature cited by the submitters: PubMed 10939567 (cited by Labcorp Genetics (formerly Invitae), Labcorp); PubMed 16772334 (cited by Labcorp Genetics (formerly Invitae), Labcorp); PubMed 23077635 (cited by Labcorp Genetics (formerly Invitae), Labcorp); PubMed 25982065 (cited by Labcorp Genetics (formerly Invitae), Labcorp); PubMed 29676528 (cited by Labcorp Genetics (formerly Invitae), Labcorp); PubMed 29753763 (cited by Labcorp Genetics (formerly Invitae), Labcorp); PubMed 29893365 (cited by Labcorp Genetics (formerly Invitae), Labcorp); PubMed 18564364 (cited by Labcorp Genetics (formerly Invitae), Labcorp).

NM_170707.4(LMNA):c.694G>A (p.Gly232Arg)

Gene: LMNA (lamin A/C; plus strand). Cytogenetic location: 1q22.
Variant type: single nucleotide variant.
Coding change: c.694G>A on transcript NM_170707.4 (MANE Select); coding-DNA position 694, G replaced by A.
Protein change: p.Gly232Arg; replaces glycine 232 with arginine.
Molecular consequence: missense variant.
Genome position (GRCh38, 1-based): chr1:156,134,859, G>A. VCF-style: chr1-156134859-G-A. GRCh37 (hg19) VCF-style: chr1-156104650-G-A.
Other names: c.358G>A, p.Gly120Arg (NM_001257374.3); c.451G>A, p.Gly151Arg (NM_001282624.2); c.694G>A, p.Gly232Arg (NM_001282625.2, NM_001282626.2, NM_005572.4 and 1 more transcripts); short protein forms G232R, G120R, G151R.
Identifiers: ClinVar variation 285122 (VCV000285122.11), dbSNP rs267607609, ClinGen allele CA10605004.